The following is an entry in ClinVar:

NM_001164508.2(NEB):c.8890-6del

Gene: NEB (nebulin; minus strand). Cytogenetic location: 2q23.3.
Variant type: Deletion.
Coding change: c.8890-6del on transcript NM_001164508.2 (MANE Select); 6 bases into the intron before coding-DNA position 8890, one base deleted (T; older notation c.8890-6delT).
Molecular consequence: intron variant.
Genome position (GRCh38, 1-based): chr2:151,639,390, A deleted on the plus strand (T on the coding strand, the reverse complement: NEB is on the minus strand); the first of 8 consecutive A bases (chr2:151,639,390-151,639,397); deleting any one gives the same sequence. VCF-style (leftmost placement, unchanged base first): chr2-151639389-CA-C. GRCh37 (hg19) VCF-style: chr2-152495903-CA-C.
Other names: c.8853+503del (NM_004543.5); c.8890-6del (NM_001164507.2, NM_001271208.2); c.8890-6delT (NM_001271208.1).
Identifiers: ClinVar variation 702039 (VCV000702039.12), dbSNP rs771652505, ClinGen allele CA1909468.

ClinVar aggregate classification (germline): Likely benign. Review status: criteria provided, single submitter (1 of 4 stars). 2 submissions from 2 submitters: Likely benign (1). 1 of the submissions does not count toward it. Last evaluated 2026-01-19.

Conditions:
NEB-related disorder. Also called: NEB-Related Disorders; NEB-related condition.
Nemaline myopathy 2 (NEM2). Also called: Nemaline myopathy 2, autosomal recessive. Identifiers: MedGen C1850569, MONDO:0009725, OMIM 256030.

Submissions (2):

Labcorp Genetics (formerly Invitae), Labcorp
Classification: Likely benign for Nemaline myopathy 2. Last evaluated: 2026-01-19. Review status: criteria provided, single submitter. Criteria: Invitae Variant Classification Sherloc (09022015). Collection method: clinical testing. Allele origin: germline.

PreventionGenetics, part of Exact Sciences
Classification: Likely benign for NEB-related condition. Last evaluated: 2019-06-26. Review status: no assertion criteria provided. Collection method: clinical testing. Allele origin: germline. Not counted in ClinVar's aggregate classification.
Comment: This variant is classified as likely benign based on ACMG/AMP sequence variant interpretation guidelines (Richards et al. 2015 PMID: 25741868, with internal and published modifications).